The following is an entry in ClinVar:

ClinVar aggregate classification (germline): Uncertain significance. Review status: criteria provided, multiple submitters, no conflicts (2 of 4 stars). 3 submissions from 3 submitters: Uncertain significance (3). Last evaluated 2025-12-16.

Conditions:
Inborn genetic diseases. Identifiers: MedGen C0950123, MeSH D030342.
Achondrogenesis, type IA (ACG1A). Identifiers: Orphanet 932, Orphanet 93299, MedGen C0265273, MONDO:0008701, OMIM 200600.
Odontochondrodysplasia 1. Identifiers: Orphanet 166272, MedGen C5542277, MONDO:0100325, OMIM 184260.

Allele frequency attached by ClinVar (database versions not stated): gnomAD exomes 0.00004 and 0.00007; ExAC 0.00008; ESP Exome Variant Server 0.00008; gnomAD 0.00009; TOPMed 0.00009.
gnomAD v4.1: 77 of 1,614,082 alleles (0.0048%); highest among the groups gnomAD compares: Admixed American, 0.01%; no homozygotes.

Submissions (3):

Ambry Genetics
Classification: Uncertain significance for Inborn genetic diseases. Last evaluated: 2025-12-16. Review status: criteria provided, single submitter. Criteria: Ambry Variant Classification Scheme 2023. Collection method: clinical testing. Allele origin: germline.

Labcorp Genetics (formerly Invitae), Labcorp
Classification: Uncertain significance for Achondrogenesis, type IA. Last evaluated: 2022-02-28. Review status: criteria provided, single submitter. Criteria: Invitae Variant Classification Sherloc (09022015). Collection method: clinical testing. Allele origin: germline.
Comment: This sequence change replaces histidine, which is basic and polar, with arginine, which is basic and polar, at codon 1072 of the TRIP11 protein (p.His1072Arg). This variant is present in population databases (rs200721244, gnomAD 0.01%). This variant has not been reported in the literature in individuals affected with TRIP11-related conditions. ClinVar contains an entry for this variant (Variation ID: 1062975). Algorithms developed to predict the effect of missense changes on protein structure and function are either unavailable or do not agree on the potential impact of this missense change (SIFT: "Not Available"; PolyPhen-2: "Benign"; Align-GVGD: "Not Available"). In summary, the available evidence is currently insufficient to determine the role of this variant in disease. Therefore, it has been classified as a Variant of Uncertain Significance.

Department of Pathology and Laboratory Medicine, Sinai Health System
Classification: Uncertain significance for Odontochondrodysplasia 1; Achondrogenesis, type IA. Last evaluated: 2021-10-25. Review status: criteria provided, single submitter. Criteria: ACMG Guidelines, 2015. Collection method: research. Allele origin: germline.

NM_004239.4(TRIP11):c.3215A>G (p.His1072Arg)

Gene: TRIP11 (thyroid hormone receptor interactor 11; minus strand). Cytogenetic location: 14q32.12.
Variant type: single nucleotide variant.
Coding change: c.3215A>G on transcript NM_004239.4 (MANE Select); coding-DNA position 3215, A replaced by G.
Protein change: p.His1072Arg; replaces histidine 1072 with arginine.
Molecular consequence: missense variant.
Genome position (GRCh38, 1-based): chr14:92,004,761, T>C on the plus strand (A>G on the coding strand, the complement: TRIP11 is on the minus strand). VCF-style: chr14-92004761-T-C. GRCh37 (hg19) VCF-style: chr14-92471105-T-C.
Other names: c.3215A>G (NM_004239.3); c.3212A>G, p.His1071Arg (NM_001321851.1); short protein forms H1071R, H1072R.
Identifiers: ClinVar variation 1062975 (VCV001062975.7), dbSNP rs200721244, ClinGen allele CA7313664.